The following is an entry in ClinVar:

ClinVar aggregate classification (germline): Uncertain significance (1 of 4 stars; one submission).

gnomAD v4.1: 7 of 1,598,016 alleles (0.00044%); highest among the groups gnomAD compares: Non-Finnish European, 0.0006%; no homozygotes.

Submission:

Ambry Genetics
Classification: Uncertain significance. Last evaluated: 2025-08-22. Review status: criteria provided, single submitter. Criteria: Ambry Variant Classification Scheme 2023. Collection method: clinical testing. Allele origin: germline.
Comment: The p.C577Y variant (also known as c.1730G>A), located in coding exon 8 of the ATRIP gene, results from a G to A substitution at nucleotide position 1730. The cysteine at codon 577 is replaced by tyrosine, an amino acid with highly dissimilar properties. This amino acid position is conserved. In addition, this alteration is predicted to be tolerated by in silico analysis. Based on the available evidence, the clinical significance of this variant remains unclear.

NM_130384.3(ATRIP):c.1730G>A (p.Cys577Tyr)

Genes: ATRIP (ATR interacting protein; plus strand), ATRIP-TREX1 (ATRIP-TREX1 readthrough; plus strand). Cytogenetic location: 3p21.31.
Variant type: single nucleotide variant.
Coding change: c.1730G>A on transcript NM_130384.3 (MANE Select); coding-DNA position 1730, G replaced by A.
Protein change: p.Cys577Tyr; replaces cysteine 577 with tyrosine.
Molecular consequence: missense variant. On other transcripts: non-coding transcript variant (1).
Genome position (GRCh38, 1-based): chr3:48,460,784, G>A. VCF-style: chr3-48460784-G-A. GRCh37 (hg19) VCF-style: chr3-48502183-G-A.
Other names: c.1730G>A, p.Cys577Tyr (NM_032166.4); c.1349G>A, p.Cys450Tyr (NM_001271022.2); c.1451G>A, p.Cys484Tyr (NM_001271023.2); short protein forms C577Y, C450Y, C484Y.
Identifiers: ClinVar variation 4182614 (VCV004182614.1).